The following is an entry in ClinVar:

ClinVar aggregate classification (germline): Conflicting classifications of pathogenicity. Review status: criteria provided, conflicting classifications (1 of 4 stars). 5 submissions from 5 submitters: Uncertain significance (1); Likely benign (3). 1 of the submissions does not count toward it. Last evaluated 2025-12-23.

Conditions:
AKAP9-related disorder. Also called: AKAP9-related condition.
Cardiovascular phenotype. Identifiers: MedGen CN230736.
Long QT syndrome (LQTS). Identifiers: MedGen C0023976, MeSH D008133, MONDO:0002442. Disease mechanism: loss of function. Inheritance: Various modes of inheritance.

Allele frequency attached by ClinVar (database versions not stated): gnomAD below 0.00001 and 0.00015; TOPMed 0.00002; gnomAD exomes 0.00020 and 0.00041; ExAC 0.00051; 1000 Genomes Project 0.00120; 1000 Genomes Project 30x 0.00125.
gnomAD v4.1: 317 of 1,612,974 alleles (0.02%); highest among the groups gnomAD compares: South Asian, 0.33%; 4 homozygotes.

Submissions (5):

Labcorp Genetics (formerly Invitae), Labcorp
Classification: Likely benign for Long QT syndrome. Last evaluated: 2025-12-23. Review status: criteria provided, single submitter. Criteria: Invitae Variant Classification Sherloc (09022015). Collection method: clinical testing. Allele origin: germline.

Blueprint Genetics
Classification: Likely benign. Last evaluated: 2024-10-04. Review status: criteria provided, single submitter. Criteria: ACMG Guidelines, 2015. Collection method: clinical testing. Allele origin: germline.

Ambry Genetics
Classification: Likely benign for Cardiovascular phenotype. Last evaluated: 2021-09-21. Review status: criteria provided, single submitter. Criteria: Ambry Variant Classification Scheme 2023. Collection method: clinical testing. Allele origin: germline.

Molecular Diagnostic Laboratory for Inherited Cardiovascular Disease, Montreal Heart Institute
Classification: Uncertain significance. Last evaluated: 2016-10-31. Review status: criteria provided, single submitter. Criteria: ACMG Guidelines, 2015. Collection method: clinical testing. Allele origin: germline. Affected: yes.

PreventionGenetics, part of Exact Sciences
Classification: Likely benign for AKAP9-related condition. Last evaluated: 2021-02-09. Review status: no assertion criteria provided. Collection method: clinical testing. Allele origin: germline. Not counted in ClinVar's aggregate classification.
Comment: This variant is classified as likely benign based on ACMG/AMP sequence variant interpretation guidelines (Richards et al. 2015 PMID: 25741868, with internal and published modifications).

NM_005751.5(AKAP9):c.2945C>A (p.Ser982Tyr)

Gene: AKAP9 (A-kinase anchoring protein 9; plus strand). Cytogenetic location: 7q21.2.
Variant type: single nucleotide variant.
Coding change: c.2945C>A on transcript NM_005751.5 (MANE Select); coding-DNA position 2945, C replaced by A.
Protein change: p.Ser982Tyr; replaces serine 982 with tyrosine.
Molecular consequence: missense variant.
Genome position (GRCh38, 1-based): chr7:92,002,862, C>A. VCF-style: chr7-92002862-C-A. GRCh37 (hg19) VCF-style: chr7-91632176-C-A.
Other names: c.2945C>A, p.Ser982Tyr (NM_147185.3); short protein forms S982Y.
Identifiers: ClinVar variation 457095 (VCV000457095.16), dbSNP rs374340343, ClinGen allele CA4336219.